The following is an entry in ClinVar:

NM_001323532.2(PARP6):c.1530C>T (p.Ser510=)

Gene: PARP6 (poly(ADP-ribose) polymerase family member 6; minus strand). Cytogenetic location: 15q23.
Variant type: single nucleotide variant.
Coding change: c.1530C>T on transcript NM_001323532.2 (MANE Select); coding-DNA position 1530, C replaced by T.
Protein change: p.Ser510=; no amino-acid change (serine 510 retained).
Molecular consequence: synonymous variant. On other transcripts: non-coding transcript variant (1).
Genome position (GRCh38, 1-based): chr15:72,249,276, G>A on the plus strand (C>T on the coding strand, the complement: PARP6 is on the minus strand). VCF-style: chr15-72249276-G-A. GRCh37 (hg19) VCF-style: chr15-72541617-G-A.
Other names: c.1473C>T, p.Ser491= (NM_001323515.2, NM_001323516.2, NM_001323530.2); c.1470C>T, p.Ser490= (NM_001323519.2, NM_001323521.2, NM_001323523.2 and 2 more transcripts); c.1530C>T, p.Ser510= (NM_001323522.2, NM_020214.4); c.1533C>T, p.Ser511= (NM_001323525.2, NM_001323528.2, NM_001323531.2).
Identifiers: ClinVar variation 5040563 (VCV005040563.1).
Genomic context (GRCh38, chr15:72,249,276, plus strand): 5'-AGTCAAGGTGGCCACAGAATATTTCTTACCTGAGTATCCAAAGGAAATACTGGAGATGGG[G>A]CTCAGGTAGATGCCTTTGCCATAGGCTGCTCCATGCAGCTTGCAGGGAAACACCAGGATG-3'
Protein context (NP_001310461.1, residues 500-520): GAAYGKGIYL[Ser510=]PISSISFGYS

ClinVar aggregate classification (germline): Uncertain significance (1 of 4 stars; one submission).

Submission:

CeGaT Center for Human Genetics Tuebingen
Classification: Uncertain significance. Last evaluated: 2026-08-01. Review status: criteria provided, single submitter. Criteria: CeGaT Center For Human Genetics Tuebingen Variant Classification Criteria Version 2. Collection method: clinical testing. Allele origin: germline. Affected: yes. Observed: 1 variant allele.
Comment: PARP6: PM2, BP4